The following is an entry in ClinVar:

NM_017612.5(ZCCHC8):c.1835C>A (p.Ala612Glu)

Gene: ZCCHC8 (zinc finger CCHC-type containing 8; minus strand). Cytogenetic location: 12q24.31.
Variant type: single nucleotide variant.
Coding change: c.1835C>A on transcript NM_017612.5 (MANE Select); coding-DNA position 1835, C replaced by A.
Protein change: p.Ala612Glu; replaces alanine 612 with glutamic acid.
Molecular consequence: missense variant.
Genome position (GRCh38, 1-based): chr12:122,473,786, G>T on the plus strand (C>A on the coding strand, the complement: ZCCHC8 is on the minus strand). VCF-style: chr12-122473786-G-T. GRCh37 (hg19) VCF-style: chr12-122958333-G-T.
Other names: c.1604C>A, p.Ala535Glu (NM_001350935.2); c.1538C>A, p.Ala513Glu (NM_001350936.2); c.1121C>A, p.Ala374Glu (NM_001350937.2, NM_001350938.2); short protein forms A513E, A535E, A612E, A374E.
Identifiers: ClinVar variation 1420606 (VCV001420606.8), dbSNP rs1566281980, ClinGen allele CA387047583.

ClinVar aggregate classification (germline): Uncertain significance (1 of 4 stars; one submission).

Submission:

Labcorp Genetics (formerly Invitae), Labcorp
Classification: Uncertain significance. Last evaluated: 2025-07-28. Review status: criteria provided, single submitter. Criteria: Invitae Variant Classification Sherloc (09022015). Collection method: clinical testing. Allele origin: germline.
Comment: This sequence change replaces alanine, which is neutral and non-polar, with glutamic acid, which is acidic and polar, at codon 612 of the ZCCHC8 protein (p.Ala612Glu). This variant is not present in population databases (gnomAD no frequency). This variant has not been reported in the literature in individuals affected with ZCCHC8-related conditions. ClinVar contains an entry for this variant (Variation ID: 1420606). Invitae Evidence Modeling of protein sequence and biophysical properties (such as structural, functional, and spatial information, amino acid conservation, physicochemical variation, residue mobility, and thermodynamic stability) indicates that this missense variant is not expected to disrupt ZCCHC8 protein function with a negative predictive value of 80%. In summary, the available evidence is currently insufficient to determine the role of this variant in disease. Therefore, it has been classified as a Variant of Uncertain Significance.